The following is an entry in ClinVar:

ClinVar aggregate classification (germline): Conflicting classifications of pathogenicity. Review status: criteria provided, conflicting classifications (1 of 4 stars). 3 submissions from 3 submitters: Uncertain significance (2); Likely benign (1). Last evaluated 2025-01-22.

Submissions (3):

GeneDx
Classification: Uncertain significance. Last evaluated: 2025-01-22. Review status: criteria provided, single submitter. Criteria: GeneDx Variant Classification Process June 2021. Collection method: clinical testing. Allele origin: germline. Affected: yes.
Comment: Not observed at significant frequency in large population cohorts (gnomAD); In silico analysis suggests that this missense variant does not alter protein structure/function; Has not been previously published as pathogenic or benign to our knowledge

Labcorp Genetics (formerly Invitae), Labcorp
Classification: Likely benign. Last evaluated: 2023-09-15. Review status: criteria provided, single submitter. Criteria: Invitae Variant Classification Sherloc (09022015). Collection method: clinical testing. Allele origin: germline.

Blueprint Genetics
Classification: Uncertain significance. Last evaluated: 2022-11-11. Review status: criteria provided, single submitter. Criteria: ACMG Guidelines, 2015. Collection method: clinical testing. Allele origin: germline.

NM_080680.3(COL11A2):c.1517G>A (p.Ser506Asn)

Gene: COL11A2 (collagen type XI alpha 2 chain; minus strand). Cytogenetic location: 6p21.32.
Variant type: single nucleotide variant.
Coding change: c.1517G>A on transcript NM_080680.3 (MANE Select); coding-DNA position 1517, G replaced by A.
Protein change: p.Ser506Asn; replaces serine 506 with asparagine.
Molecular consequence: missense variant.
Genome position (GRCh38, 1-based): chr6:33,179,271, C>T on the plus strand (G>A on the coding strand, the complement: COL11A2 is on the minus strand). VCF-style: chr6-33179271-C-T. GRCh37 (hg19) VCF-style: chr6-33147048-C-T.
Other names: c.1517G>A (NM_080680.2); c.1337G>A, p.Ser446Asn (NM_001424108.1); c.671G>A, p.Ser224Asn (NM_001424109.1); c.491G>A, p.Ser164Asn (NM_001424110.1, NM_001424111.1); c.1196G>A, p.Ser399Asn (NM_080679.3); c.1259G>A, p.Ser420Asn (NM_080681.3); short protein forms S420N, S164N, S224N, S399N, S446N, S506N.
Identifiers: ClinVar variation 2768485 (VCV002768485.5), dbSNP rs951395468, ClinGen allele CA137051786.